The following is an entry in ClinVar:

ClinVar aggregate classification (germline): Likely pathogenic (1 of 4 stars; one submission).

Conditions:
X-linked Alport syndrome (ATS1). Also called: NEPHROPATHY AND DEAFNESS, X-LINKED; COL4A5-Related Nephropathy. Identifiers: Orphanet 63, Orphanet 88917, MedGen C4746986, MONDO:0010520, OMIM 301050.

Submission:

Myriad Genetics, Inc.
Classification: Likely pathogenic for X-linked Alport syndrome. Last evaluated: 2019-07-28. Review status: criteria provided, single submitter. Criteria: Myriad Women's Health Autosomal Recessive and X-Linked Classification Criteria (2019). Collection method: clinical testing. Allele origin: unknown.
Comment: NM_000495.4(COL4A5):c.3244A>T(K1082*) is expected to be pathogenic in the context of X-linked Alport syndrome. This variant is predicted to lead to an abnormal or absent protein product due to the creation of a premature termination codon in COL4A5, a gene where loss-of-function variants are known to be pathogenic. Please note: this variant was assessed in the context of healthy population screening.

NM_033380.3(COL4A5):c.3244A>T (p.Lys1082Ter)

Gene: COL4A5 (collagen type IV alpha 5 chain; plus strand). Cytogenetic location: Xq22.3.
Variant type: single nucleotide variant.
Coding change: c.3244A>T on transcript NM_033380.3 (MANE Select); coding-DNA position 3244, A replaced by T.
Protein change: p.Lys1082Ter; replaces lysine 1082 with a stop codon.
Molecular consequence: nonsense.
Genome position (GRCh38, 1-based): chrX:108,626,347, A>T. VCF-style: chrX-108626347-A-T. GRCh37 (hg19) VCF-style: chrX-107869577-A-T.
Other names: c.3244A>T, p.Lys1082Ter (NM_000495.5); short protein forms K1082*.
Identifiers: ClinVar variation 984061 (VCV000984061.3), dbSNP rs2067154422, ClinGen allele CA413855116.